The following is an entry in ClinVar:

ClinVar aggregate classification (germline): Conflicting classifications of pathogenicity. Review status: criteria provided, conflicting classifications (1 of 4 stars). 6 submissions from 6 submitters: Uncertain significance (2); Benign (2); Likely benign (1). 1 of the submissions does not count toward it. Last evaluated 2026-06-01.

Conditions:
Ovarian cancer. Also called: OVARIAN CANCER, SOMATIC. Identifiers: Orphanet 213500, MedGen C1140680, MONDO:0008170, OMIM 167000.
WRN-related disorder. Also called: WRN-related condition.
Werner syndrome (WRN). Identifiers: Orphanet 902, MedGen C0043119, MONDO:0010196, OMIM 277700.

Allele frequency attached by ClinVar (database versions not stated): gnomAD 0.00003 and 0.00014; TOPMed 0.00009; ExAC 0.00022; gnomAD exomes 0.00022 and 0.00046; 1000 Genomes Project 30x 0.00047; 1000 Genomes Project 0.00060.
gnomAD v4.1: 665 of 1,614,012 alleles (0.041%); highest among the groups gnomAD compares: East Asian, 1.5%; 7 homozygotes.

Submissions (6):

CeGaT Center for Human Genetics Tuebingen
Classification: Likely benign. Last evaluated: 2026-06-01. Review status: criteria provided, single submitter. Criteria: CeGaT Center For Human Genetics Tuebingen Variant Classification Criteria Version 2. Collection method: clinical testing. Allele origin: germline. Affected: yes. Observed: 1 variant allele.
Comment: WRN: BP4, BS1

Labcorp Genetics (formerly Invitae), Labcorp
Classification: Benign for Werner syndrome. Last evaluated: 2026-01-14. Review status: criteria provided, single submitter. Criteria: Invitae Variant Classification Sherloc (09022015). Collection method: clinical testing. Allele origin: germline.

Laboratory of Molecular Epidemiology of Birth Defects, West China Second University Hospital, Sichuan University
Classification: Benign for Ovarian cancer. Last evaluated: 2022-01-01. Review status: criteria provided, single submitter. Criteria: ACMG Guidelines, 2015. Collection method: clinical testing. Allele origin: germline. Affected: yes.

Department of Pathology and Laboratory Medicine, Sinai Health System
Classification: Uncertain significance for Werner syndrome. Last evaluated: 2021-07-30. Review status: criteria provided, single submitter. Criteria: ACMG Guidelines, 2015. Collection method: research. Allele origin: germline.

Illumina Laboratory Services, Illumina
Classification: Uncertain significance for Werner syndrome. Last evaluated: 2017-04-27. Review status: criteria provided, single submitter. Criteria: ICSL Variant Classification Criteria 13 December 2019. Collection method: clinical testing. Allele origin: germline.
Comment: This variant was observed as part of a predisposition screen in an ostensibly healthy population. A literature search was performed for the gene, cDNA change, and amino acid change (where applicable). Publications were found based on this search. However, the evidence from the literature, in combination with allele frequency data from public databases where available, was not sufficient to rule this variant in or out of causing disease. Therefore, this variant is classified as a variant of unknown significance.

PreventionGenetics, part of Exact Sciences
Classification: Likely benign for WRN-related condition. Last evaluated: 2023-08-21. Review status: no assertion criteria provided. Collection method: clinical testing. Allele origin: germline. Not counted in ClinVar's aggregate classification.
Comment: This variant is classified as likely benign based on ACMG/AMP sequence variant interpretation guidelines (Richards et al. 2015 PMID: 25741868, with internal and published modifications).

Literature cited by the submitters: PubMed 15609317 (cited by Illumina Laboratory Services, Illumina).

NM_000553.6(WRN):c.2342C>T (p.Thr781Ile)

Gene: WRN (WRN RecQ like helicase; plus strand). Cytogenetic location: 8p12.
Variant type: single nucleotide variant.
Coding change: c.2342C>T on transcript NM_000553.6 (MANE Select); coding-DNA position 2342, C replaced by T.
Protein change: p.Thr781Ile; replaces threonine 781 with isoleucine.
Molecular consequence: missense variant.
Genome position (GRCh38, 1-based): chr8:31,116,422, C>T. VCF-style: chr8-31116422-C-T. GRCh37 (hg19) VCF-style: chr8-30973938-C-T.
Other names: short protein forms T781I.
Identifiers: ClinVar variation 238139 (VCV000238139.21), dbSNP rs17847568, ClinGen allele CA4704724.